The following is an entry in ClinVar:

NM_000384.3(APOB):c.7025A>C (p.His2342Pro)

Gene: APOB (apolipoprotein B; minus strand). Cytogenetic location: 2p24.1.
Variant type: single nucleotide variant.
Coding change: c.7025A>C on transcript NM_000384.3 (MANE Select); coding-DNA position 7025, A replaced by C.
Protein change: p.His2342Pro; replaces histidine 2342 with proline.
Molecular consequence: missense variant.
Genome position (GRCh38, 1-based): chr2:21,009,843, T>G on the plus strand (A>C on the coding strand, the complement: APOB is on the minus strand). VCF-style: chr2-21009843-T-G. GRCh37 (hg19) VCF-style: chr2-21232715-T-G.
Other names: short protein forms H2342P.
Identifiers: ClinVar variation 1756741 (VCV001756741.2), dbSNP rs1380450656, ClinGen allele CA345999826.
Genomic context (GRCh38, chr2:21,009,843, plus strand): 5'-ACTAATTTATCCATTAAAACCTGGATTTGTTGGTCTACTTCATACCTCTCGATTAACTCA[T>G]GGACTTTGGCTCTGAAGGCATTGATTTTCTCAGCTACTTCAAAATCCCCAATAAGATTTA-3'
Protein context (NP_000375.3, residues 2332-2352): EKINAFRAKV[His2342Pro]ELIERYEVDQ

ClinVar aggregate classification (germline): Uncertain significance (1 of 4 stars; one submission).

Conditions:
Cardiovascular phenotype. Identifiers: MedGen CN230736.

gnomAD v4.1: 1 of 1,614,080 alleles (0.000062%); highest among the groups gnomAD compares: Non-Finnish European, 0.000085%; no homozygotes.

Submission:

Ambry Genetics
Classification: Uncertain significance for Cardiovascular phenotype. Last evaluated: 2022-05-27. Review status: criteria provided, single submitter. Criteria: Ambry Variant Classification Scheme 2023. Collection method: clinical testing. Allele origin: germline.
Comment: The p.H2342P variant (also known as c.7025A>C), located in coding exon 26 of the APOB gene, results from an A to C substitution at nucleotide position 7025. The histidine at codon 2342 is replaced by proline, an amino acid with similar properties. This amino acid position is conserved. In addition, this alteration is predicted to be tolerated by in silico analysis. Since supporting evidence is limited at this time, the clinical significance of this alteration remains unclear.